The following is an entry in ClinVar:

NM_000350.3(ABCA4):c.2294G>C (p.Ser765Thr)

Gene: ABCA4 (ATP binding cassette subfamily A member 4; minus strand). Cytogenetic location: 1p22.1.
Variant type: single nucleotide variant.
Coding change: c.2294G>C on transcript NM_000350.3 (MANE Select); coding-DNA position 2294, G replaced by C.
Protein change: p.Ser765Thr; replaces serine 765 with threonine.
Molecular consequence: missense variant.
Genome position (GRCh38, 1-based): chr1:94,056,689, C>G on the plus strand (G>C on the coding strand, the complement: ABCA4 is on the minus strand). VCF-style: chr1-94056689-C-G. GRCh37 (hg19) VCF-style: chr1-94522245-C-G.
Other names: short protein forms S765T.
Identifiers: ClinVar variation 813130 (VCV000813130.9), dbSNP rs61749429, ClinGen allele CA341277833.
Genomic context (GRCh38, chr1:94,056,689, plus strand): 5'-CGGTCCTGCCAGGCGAAGCACAGGATGTGTGGCAGGTAGAGGGTGAAATAGATGACACCA[C>G]TACAGGCTGCTGCCAGACTGGCCTTGGAGAAGAAGGTGCTGAGCAGAAAGCACAGCATGA-3'
Protein context (NP_000341.2, residues 755-775): FSKASLAAAC[Ser765Thr]GVIYFTLYLP

ClinVar aggregate classification (germline): Pathogenic. Review status: criteria provided, multiple submitters, no conflicts (2 of 4 stars). 2 submissions from 2 submitters: Pathogenic (2). Last evaluated 2024-09-14.

Conditions:
Isolated macular dystrophy. Identifiers: Orphanet 519302, MedGen C5681367, MONDO:0957048.

Allele frequency attached by ClinVar (database versions not stated): gnomAD exomes below 0.00001; TOPMed 0.00001.
gnomAD v4.1: 1 of 1,614,150 alleles (0.000062%); highest among the groups gnomAD compares: Non-Finnish European, 0.000085%; no homozygotes.

Submissions (2):

Labcorp Genetics (formerly Invitae), Labcorp
Classification: Pathogenic. Last evaluated: 2024-09-14. Review status: criteria provided, single submitter. Criteria: Invitae Variant Classification Sherloc (09022015). Collection method: clinical testing. Allele origin: germline.
Comment: This sequence change replaces serine, which is neutral and polar, with threonine, which is neutral and polar, at codon 765 of the ABCA4 protein (p.Ser765Thr). This variant is present in population databases (no rsID available, gnomAD 0.007%). This missense change has been observed in individual(s) with Stargardt disease (internal data). ClinVar contains an entry for this variant (Variation ID: 813130). Invitae Evidence Modeling of protein sequence and biophysical properties (such as structural, functional, and spatial information, amino acid conservation, physicochemical variation, residue mobility, and thermodynamic stability) indicates that this missense variant is expected to disrupt ABCA4 protein function with a positive predictive value of 80%. This variant disrupts the p.Ser765 amino acid residue in ABCA4. Other variant(s) that disrupt this residue have been determined to be pathogenic (PMID: 26355662, 33375396; internal data). This suggests that this residue is clinically significant, and that variants that disrupt this residue are likely to be disease-causing. For these reasons, this variant has been classified as Pathogenic.

Molecular Genetics Laboratory, Institute for Ophthalmic Research
Classification: Pathogenic for Isolated macular dystrophy. Last evaluated: 2020-01-09. Review status: criteria provided, single submitter. Criteria: ACMG Guidelines, 2015. Collection method: research. Allele origin: germline. Affected: yes.

Literature cited by the submitters: PubMed 26355662 (cited by Labcorp Genetics (formerly Invitae), Labcorp); PubMed 33375396 (cited by Labcorp Genetics (formerly Invitae), Labcorp).